The following is an entry in ClinVar:

NM_172201.2(KCNE2):c.238T>C (p.Ser80Pro)

Genes: KCNE2 (potassium voltage-gated channel subfamily E regulatory subunit 2; plus strand), LOC105372791 (uncharacterized LOC105372791; minus strand). Cytogenetic location: 21q22.11.
Variant type: single nucleotide variant.
Coding change: c.238T>C on transcript NM_172201.2 (MANE Select); coding-DNA position 238, T replaced by C.
Protein change: p.Ser80Pro; replaces serine 80 with proline.
Molecular consequence: missense variant.
Genome position (GRCh38, 1-based): chr21:34,370,716, T>C. VCF-style: chr21-34370716-T-C. GRCh37 (hg19) VCF-style: chr21-35743015-T-C.
Other names: short protein forms S80P.
Identifiers: ClinVar variation 1469989 (VCV001469989.6), dbSNP rs893883306, ClinGen allele CA320365717.

ClinVar aggregate classification (germline): Uncertain significance (1 of 4 stars; one submission).

Conditions:
Long QT syndrome 6 (LQT6). Identifiers: Orphanet 101016, Orphanet 768, MedGen C3150953, MONDO:0013370, OMIM 613693.

Allele frequency attached by ClinVar (database versions not stated): gnomAD exomes below 0.00001; gnomAD 0.00002; TOPMed 0.00002.

Submission:

Labcorp Genetics (formerly Invitae), Labcorp
Classification: Uncertain significance for Long QT syndrome 6. Last evaluated: 2021-10-11. Review status: criteria provided, single submitter. Criteria: Invitae Variant Classification Sherloc (09022015). Collection method: clinical testing. Allele origin: germline.
Comment: In summary, the available evidence is currently insufficient to determine the role of this variant in disease. Therefore, it has been classified as a Variant of Uncertain Significance. Algorithms developed to predict the effect of missense changes on protein structure and function (SIFT, PolyPhen-2, Align-GVGD) all suggest that this variant is likely to be tolerated. This variant has not been reported in the literature in individuals affected with KCNE2-related conditions. This variant is not present in population databases (ExAC no frequency). This sequence change replaces serine with proline at codon 80 of the KCNE2 protein (p.Ser80Pro). The serine residue is highly conserved and there is a moderate physicochemical difference between serine and proline.